The following is an entry in ClinVar:

NM_000138.5(FBN1):c.7700_7706del (p.Asp2567fs)

Gene: FBN1 (fibrillin 1; minus strand). Cytogenetic location: 15q21.1.
Variant type: Deletion.
Coding change: c.7700_7706del on transcript NM_000138.5 (MANE Select); coding-DNA positions 7700 to 7706, 7 bases deleted (ACGTGGA; older notation c.7700_7706delACGTGGA).
Protein change: p.Asp2567fs; shifts the reading frame from aspartic acid 2567.
Molecular consequence: frameshift variant.
Genome position (GRCh38, 1-based): chr15:48,420,800-48,420,806, TCCACGT deleted on the plus strand (ACGTGGA on the coding strand, the reverse complement: FBN1 is on the minus strand). VCF-style (leftmost placement, unchanged base first): chr15-48420799-GTCCACGT-G. GRCh37 (hg19) VCF-style: chr15-48712996-GTCCACGT-G.
Other names: short protein forms D2567fs.
Identifiers: ClinVar variation 1417938 (VCV001417938.6), dbSNP rs2141220862, ClinGen allele CA2573150969.

ClinVar aggregate classification (germline): Pathogenic (1 of 4 stars; one submission).

Conditions:
Marfan syndrome (MFS). Also called: MARFAN SYNDROME, TYPE I; Marfan syndrome type 1; Marfan's syndrome; Marfan syndrome, classic; FBN1-Related Marfan Syndrome. Identifiers: Orphanet 284963, Orphanet 558, MedGen C0024796, MONDO:0007947, OMIM 154700.
Familial thoracic aortic aneurysm and aortic dissection (TAAD). Also called: Thoracic aortic aneurysms and dissections. Identifiers: Orphanet 91387, MedGen C4707243, MONDO:0019625.

Submission:

Labcorp Genetics (formerly Invitae), Labcorp
Classification: Pathogenic for Marfan syndrome; Familial thoracic aortic aneurysm and aortic dissection. Last evaluated: 2020-11-20. Review status: criteria provided, single submitter. Criteria: Invitae Variant Classification Sherloc (09022015). Collection method: clinical testing. Allele origin: germline.
Comment: For these reasons, this variant has been classified as Pathogenic. Algorithms developed to predict the effect of sequence changes on RNA splicing suggest that this variant may create or strengthen a splice site, but this prediction has not been confirmed by published transcriptional studies. This variant has not been reported in the literature in individuals with FBN1-related conditions. This variant is not present in population databases (ExAC no frequency). This sequence change creates a premature translational stop signal (p.Asp2567Alafs*113) in the FBN1 gene. It is expected to result in an absent or disrupted protein product. Loss-of-function variants in FBN1 are known to be pathogenic (PMID: 17657824, 19293843).

Literature cited by the submitters: PubMed 17657824; PubMed 19293843.